The following is an entry in ClinVar:

ClinVar aggregate classification (germline): Likely pathogenic (1 of 4 stars; one submission).

Submission:

Labcorp Genetics (formerly Invitae), Labcorp
Classification: Likely pathogenic. Last evaluated: 2021-10-08. Review status: criteria provided, single submitter. Criteria: Invitae Variant Classification Sherloc (09022015). Collection method: clinical testing. Allele origin: germline.
Comment: This sequence change affects an acceptor splice site in intron 49 of the USH2A gene. It is expected to disrupt RNA splicing. Variants that disrupt the donor or acceptor splice site typically lead to a loss of protein function (PMID: 16199547), and loss-of-function variants in USH2A are known to be pathogenic (PMID: 10729113, 10909849, 20507924, 25649381). This variant is not present in population databases (ExAC no frequency). Disruption of this splice site has been observed in individual(s) with retinitis pigmentosa (Invitae). Algorithms developed to predict the effect of sequence changes on RNA splicing suggest that this variant may disrupt the consensus splice site. In summary, the currently available evidence indicates that the variant is pathogenic, but additional data are needed to prove that conclusively. Therefore, this variant has been classified as Likely Pathogenic.

Literature cited by the submitters: PubMed 16199547; PubMed 10729113; PubMed 10909849; PubMed 20507924; PubMed 25649381.

NM_206933.4(USH2A):c.9740-2A>G

Gene: USH2A (usherin; minus strand). Cytogenetic location: 1q41.
Variant type: single nucleotide variant.
Coding change: c.9740-2A>G on transcript NM_206933.4 (MANE Select); the canonical splice acceptor site of the intron before coding-DNA position 9740, A replaced by G.
Molecular consequence: splice acceptor variant.
Genome position (GRCh38, 1-based): chr1:215,799,127, T>C on the plus strand (A>G on the coding strand, the complement: USH2A is on the minus strand). VCF-style: chr1-215799127-T-C. GRCh37 (hg19) VCF-style: chr1-215972469-T-C.
Identifiers: ClinVar variation 1489844 (VCV001489844.6), dbSNP rs2102778824, ClinGen allele CA344850338.